The following is an entry in ClinVar:

ClinVar aggregate classification (germline): Uncertain significance (1 of 4 stars; one submission).

Submission:

Ambry Genetics
Classification: Uncertain significance. Last evaluated: 2025-01-09. Review status: criteria provided, single submitter. Criteria: Ambry Variant Classification Scheme 2023. Collection method: clinical testing. Allele origin: germline.
Comment: The p.L1260F variant (also known as c.3778C>T), located in coding exon 14 of the CDK12 gene, results from a C to T substitution at nucleotide position 3778. The leucine at codon 1260 is replaced by phenylalanine, an amino acid with highly similar properties. This amino acid position is conserved. In addition, the in silico prediction for this alteration is inconclusive. Based on the available evidence, the clinical significance of this variant remains unclear.

NM_016507.4(CDK12):c.3778C>T (p.Leu1260Phe)

Gene: CDK12 (cyclin dependent kinase 12; plus strand). Cytogenetic location: 17q12.
Variant type: single nucleotide variant.
Coding change: c.3778C>T on transcript NM_016507.4 (MANE Select); coding-DNA position 3778, C replaced by T.
Protein change: p.Leu1260Phe; replaces leucine 1260 with phenylalanine.
Molecular consequence: missense variant. On other transcripts: intron variant (1).
Genome position (GRCh38, 1-based): chr17:39,530,621, C>T. VCF-style: chr17-39530621-C-T. GRCh37 (hg19) VCF-style: chr17-37686874-C-T.
Other names: c.3761-10C>T (NM_015083.4); short protein forms L1260F.
Identifiers: ClinVar variation 3830476 (VCV003830476.1).
Genomic context (GRCh38, chr17:39,530,621, plus strand): 5'-GTGCTTTTTAAGATGGTGTTTAAAAGAAGTAACCCTTCCACAGCATGTCCTCCTCACATT[C>T]TTCCACCAGAGAAGAGGCCCCCTGAGCCCCCCGGACCTCCACCGCCGCCACCTCCACCCC-3'
Protein context (NP_057591.2, residues 1250-1270): EEAAACPPHI[Leu1260Phe]PPEKRPPEPP